The following is an entry in ClinVar:

ClinVar aggregate classification (germline): Uncertain significance. Review status: criteria provided, multiple submitters, no conflicts (2 of 4 stars). 2 submissions from 2 submitters: Uncertain significance (2). Last evaluated 2025-07-08.

Conditions:
Tumor predisposition syndrome 3 (TPDS3). Also called: Glioma susceptibility 9; LONG TELOMERE SYNDROME, POT1-RELATED; POT1 Tumor Predisposition; Melanoma, cutaneous malignant, susceptibility to, 10. Identifiers: Orphanet 618, MedGen C4014476, MONDO:0014368, OMIM 615848.
Hereditary cancer-predisposing syndrome. Also called: Tumor predisposition; Neoplastic Syndromes, Hereditary; Hereditary Cancer Syndrome; Hereditary neoplastic syndrome. Identifiers: Orphanet 140162, MedGen C0027672, MeSH D009386, MONDO:0015356.

Allele frequency attached by ClinVar (database versions not stated): gnomAD exomes below 0.00001.
gnomAD v4.1: 4 of 1,602,128 alleles (0.00025%); highest among the groups gnomAD compares: Non-Finnish European, 0.00034%; no homozygotes.

Submissions (2):

Labcorp Genetics (formerly Invitae), Labcorp
Classification: Uncertain significance for Tumor predisposition syndrome 3. Last evaluated: 2025-07-08. Review status: criteria provided, single submitter. Criteria: Invitae Variant Classification Sherloc (09022015). Collection method: clinical testing. Allele origin: germline.
Comment: This sequence change replaces phenylalanine, which is neutral and non-polar, with leucine, which is neutral and non-polar, at codon 625 of the POT1 protein (p.Phe625Leu). This variant is not present in population databases (gnomAD no frequency). This variant has not been reported in the literature in individuals affected with POT1-related conditions. ClinVar contains an entry for this variant (Variation ID: 1781771). Invitae Evidence Modeling of protein sequence and biophysical properties (such as structural, functional, and spatial information, amino acid conservation, physicochemical variation, residue mobility, and thermodynamic stability) indicates that this missense variant is not expected to disrupt POT1 protein function with a negative predictive value of 80%. In summary, the available evidence is currently insufficient to determine the role of this variant in disease. Therefore, it has been classified as a Variant of Uncertain Significance.

Ambry Genetics
Classification: Uncertain significance for Hereditary cancer-predisposing syndrome. Last evaluated: 2024-03-25. Review status: criteria provided, single submitter. Criteria: Ambry Variant Classification Scheme 2023. Collection method: clinical testing. Allele origin: germline.
Comment: The p.F625L variant (also known as c.1875T>G), located in coding exon 15 of the POT1 gene, results from a T to G substitution at nucleotide position 1875. The phenylalanine at codon 625 is replaced by leucine, an amino acid with highly similar properties. This amino acid position is highly conserved in available vertebrate species. In addition, the in silico prediction for this alteration is inconclusive. Since supporting evidence is limited at this time, the clinical significance of this alteration remains unclear.

NM_015450.3(POT1):c.1875T>G (p.Phe625Leu)

Gene: POT1 (protection of telomeres 1; minus strand). Cytogenetic location: 7q31.33.
Variant type: single nucleotide variant.
Coding change: c.1875T>G on transcript NM_015450.3 (MANE Select); coding-DNA position 1875, T replaced by G.
Protein change: p.Phe625Leu; replaces phenylalanine 625 with leucine.
Molecular consequence: missense variant. On other transcripts: non-coding transcript variant (3).
Genome position (GRCh38, 1-based): chr7:124,823,992, A>C on the plus strand (T>G on the coding strand, the complement: POT1 is on the minus strand). VCF-style: chr7-124823992-A-C. GRCh37 (hg19) VCF-style: chr7-124464046-A-C.
Other names: c.1482T>G, p.Phe494Leu (NM_001042594.2); short protein forms F625L, F494L.
Identifiers: ClinVar variation 1781771 (VCV001781771.6), dbSNP rs1794569429, ClinGen allele CA369061108.